The following is an entry in ClinVar:

ClinVar aggregate classification (germline): Uncertain significance (1 of 4 stars; one submission).

gnomAD v4.1: 2 of 1,613,866 alleles (0.00012%); no homozygotes.

Submission:

CeGaT Center for Human Genetics Tuebingen
Classification: Uncertain significance. Last evaluated: 2023-01-01. Review status: criteria provided, single submitter. Criteria: CeGaT Center For Human Genetics Tuebingen Variant Classification Criteria Version 2. Collection method: clinical testing. Allele origin: germline. Affected: yes. Observed: 1 variant allele.
Comment: NCKAP1: PM2, PP2

NM_013436.5(NCKAP1):c.1941G>T (p.Lys647Asn)

Gene: NCKAP1 (NCK associated protein 1; minus strand). Cytogenetic location: 2q32.1.
Variant type: single nucleotide variant.
Coding change: c.1941G>T on transcript NM_013436.5 (MANE Select); coding-DNA position 1941, G replaced by T.
Protein change: p.Lys647Asn; replaces lysine 647 with asparagine.
Molecular consequence: missense variant.
Genome position (GRCh38, 1-based): chr2:182,957,537, C>A on the plus strand (G>T on the coding strand, the complement: NCKAP1 is on the minus strand). VCF-style: chr2-182957537-C-A. GRCh37 (hg19) VCF-style: chr2-183822265-C-A.
Other names: c.1959G>T, p.Lys653Asn (NM_205842.3); short protein forms K647N, K653N.
Identifiers: ClinVar variation 2651739 (VCV002651739.24), dbSNP rs1482735707, ClinGen allele CA349758708.
Genomic context (GRCh38, chr2:182,957,537, plus strand): 5'-TTTCCTCATGCTCTCAACACCTGGTTTCTCCCTTTCAGGTTCCCCTTTCTTACCAGTCTG[C>A]TTTTTTGATTTCTTATTCACTGCTTGACTGATAGTTTTGGCACAATGCTTGGGTAGCAAC-3'
Protein context (NP_038464.1, residues 637-657): ISQAVNKKSK[Lys647Asn]QTGKKGEPER